The following is an entry in ClinVar:

ClinVar aggregate classification (germline): Uncertain significance (1 of 4 stars; one submission).

Conditions:
Familial thoracic aortic aneurysm and aortic dissection (TAAD). Also called: Thoracic aortic aneurysms and dissections. Identifiers: Orphanet 91387, MedGen C4707243, MONDO:0019625.

Submission:

Ambry Genetics
Classification: Uncertain significance for Familial thoracic aortic aneurysm and aortic dissection. Last evaluated: 2018-05-08. Review status: criteria provided, single submitter. Criteria: Ambry Variant Classification Scheme 2023. Collection method: clinical testing. Allele origin: germline.
Comment: The p.I2158M variant (also known as c.6474C>G), located in coding exon 38 of the FLNA gene, results from a C to G substitution at nucleotide position 6474. The isoleucine at codon 2158 is replaced by methionine, an amino acid with highly similar properties. This amino acid position is highly conserved in available vertebrate species. In addition, this alteration is predicted to be tolerated by in silico analysis. Since supporting evidence is limited at this time, the clinical significance of this alteration remains unclear.

NM_001110556.2(FLNA):c.6498C>G (p.Ile2166Met)

Gene: FLNA (filamin A; minus strand). Cytogenetic location: Xq28.
Variant type: single nucleotide variant.
Coding change: c.6498C>G on transcript NM_001110556.2 (MANE Select); coding-DNA position 6498, C replaced by G.
Protein change: p.Ile2166Met; replaces isoleucine 2166 with methionine.
Molecular consequence: missense variant.
Genome position (GRCh38, 1-based): chrX:154,352,557, G>C on the plus strand (C>G on the coding strand, the complement: FLNA is on the minus strand). VCF-style: chrX-154352557-G-C. GRCh37 (hg19) VCF-style: chrX-153580925-G-C.
Other names: c.6474C>G, p.Ile2158Met (NM_001456.4); short protein forms I2166M, I2158M.
Identifiers: ClinVar variation 1753724 (VCV001753724.2), dbSNP rs1371155880, ClinGen allele CA415191780.